The following is an entry in ClinVar:

ClinVar aggregate classification (germline): Likely benign (1 of 4 stars; one submission).

gnomAD v4.1: 1 of 744,456 alleles (0.00013%); highest among the groups gnomAD compares: Non-Finnish European, 0.00024%; no homozygotes.

Submission:

CeGaT Center for Human Genetics Tuebingen
Classification: Likely benign. Last evaluated: 2022-07-01. Review status: criteria provided, single submitter. Criteria: CeGaT Center For Human Genetics Tuebingen Variant Classification Criteria Version 2. Collection method: clinical testing. Allele origin: germline. Affected: yes. Observed: 2 variant alleles.
Comment: FBLL1: PM2:Supporting, BP4, BP7

NM_001355274.2(FBLL1):c.453G>A (p.Pro151=)

Gene: FBLL1 (fibrillarin like rRNA 2'-O-methyltransferase 1; plus strand). Cytogenetic location: 5q34.
Variant type: single nucleotide variant.
Coding change: c.453G>A on transcript NM_001355274.2 (MANE Select); coding-DNA position 453, G replaced by A.
Protein change: p.Pro151=; no amino-acid change (proline 151 retained).
Molecular consequence: synonymous variant.
Genome position (GRCh38, 1-based): chr5:168,529,957, G>A. VCF-style: chr5-168529957-G-A. GRCh37 (hg19) VCF-style: chr5-167956962-G-A.
Identifiers: ClinVar variation 2656042 (VCV002656042.24), dbSNP rs999952018, ClinGen allele CA447689534.